The following is an entry in ClinVar:

ClinVar aggregate classification (germline): Uncertain significance. Review status: criteria provided, multiple submitters, no conflicts (2 of 4 stars). 4 submissions from 4 submitters: Uncertain significance (3). 1 of the submissions does not count toward it. Last evaluated 2023-08-08.

Conditions:
Hermansky-Pudlak syndrome 3 (HPS3). Identifiers: Orphanet 231512, Orphanet 79430, MedGen C3888001, MONDO:0013555, OMIM 614072.
Hermansky-Pudlak syndrome (HPS). Also called: ALBINISM WITH HEMORRHAGIC DIATHESIS AND PIGMENTED RETICULOENDOTHELIAL CELLS. Identifiers: Orphanet 79430, MedGen C0079504, MONDO:0019312.

Allele frequency attached by ClinVar (database versions not stated): ExAC 0.00012; TOPMed 0.00012; gnomAD 0.00014; gnomAD exomes 0.00015 and 0.00024.
gnomAD v4.1: 381 of 1,614,038 alleles (0.024%); highest among the groups gnomAD compares: Non-Finnish European, 0.03%; no homozygotes.

Submissions (5):

Blueprint Genetics
Classification: Uncertain significance. Last evaluated: 2023-08-08. Review status: criteria provided, single submitter. Criteria: ACMG Guidelines, 2015. Collection method: clinical testing. Allele origin: germline.

Labcorp Genetics (formerly Invitae), Labcorp
Classification: Uncertain significance. Last evaluated: 2022-10-08. Review status: criteria provided, single submitter. Criteria: Invitae Variant Classification Sherloc (09022015). Collection method: clinical testing. Allele origin: germline.
Comment: This sequence change replaces isoleucine, which is neutral and non-polar, with valine, which is neutral and non-polar, at codon 232 of the HPS3 protein (p.Ile232Val). This variant is present in population databases (rs199722122, gnomAD 0.02%). This variant has not been reported in the literature in individuals affected with HPS3-related conditions. ClinVar contains an entry for this variant (Variation ID: 903116). Algorithms developed to predict the effect of missense changes on protein structure and function output the following: SIFT: "Tolerated"; PolyPhen-2: "Benign"; Align-GVGD: "Class C0". The valine amino acid residue is found in multiple mammalian species, which suggests that this missense change does not adversely affect protein function. Algorithms developed to predict the effect of sequence changes on RNA splicing suggest that this variant may create or strengthen a splice site. In summary, the available evidence is currently insufficient to determine the role of this variant in disease. Therefore, it has been classified as a Variant of Uncertain Significance.

Illumina Laboratory Services, Illumina
Classification: Uncertain significance for Hermansky-Pudlak syndrome 3. Last evaluated: 2018-01-13. Review status: criteria provided, single submitter. Criteria: ICSL Variant Classification Criteria 13 December 2019. Collection method: clinical testing. Allele origin: germline.

Natera, Inc.
Classification: Uncertain significance for Hermansky-Pudlak syndrome. Last evaluated: 2020-02-09. Review status: no assertion criteria provided. Collection method: clinical testing. Allele origin: germline. Not counted in ClinVar's aggregate classification.

Dr. Peter K. Rogan Lab, Western University
No classification provided (evidence only). Condition: Cervical cancer. Review status: no classification provided. Collection method: in vitro. Allele origin: not applicable. Functional consequence: skipped exon, retained intron. Not counted in ClinVar's aggregate classification.

NM_032383.5(HPS3):c.694A>G (p.Ile232Val)

Gene: HPS3 (HPS3 biogenesis of lysosomal organelles complex 2 subunit 1; plus strand). Cytogenetic location: 3q24.
Variant type: single nucleotide variant.
Coding change: c.694A>G on transcript NM_032383.5 (MANE Select); coding-DNA position 694, A replaced by G.
Protein change: p.Ile232Val; replaces isoleucine 232 with valine.
Molecular consequence: missense variant. On other transcripts: intron variant (1).
Genome position (GRCh38, 1-based): chr3:149,140,480, A>G. VCF-style: chr3-149140480-A-G. GRCh37 (hg19) VCF-style: chr3-148858267-A-G.
Other names: c.218-537A>G (NM_001308258.2); short protein forms I232V.
Identifiers: ClinVar variation 903116 (VCV000903116.9), dbSNP rs199722122, ClinGen allele CA2659855.